The following is an entry in ClinVar:

NM_005460.4(SNCAIP):c.672C>T (p.Val224=)

Gene: SNCAIP (synuclein alpha interacting protein; plus strand). Cytogenetic location: 5q23.2.
Variant type: single nucleotide variant.
Coding change: c.672C>T on transcript NM_005460.4 (MANE Select); coding-DNA position 672, C replaced by T.
Protein change: p.Val224=; no amino-acid change (valine 224 retained).
Molecular consequence: synonymous variant. On other transcripts: non-coding transcript variant (1), intron variant (5).
Genome position (GRCh38, 1-based): chr5:122,423,409, C>T. VCF-style: chr5-122423409-C-T. GRCh37 (hg19) VCF-style: chr5-121759104-C-T.
Other names: c.813C>T, p.Val271= (NM_001308100.2); c.672C>T, p.Val224= (NM_001308105.1); c.85-8560C>T (NM_001242935.3, NM_001308107.2); c.85-17220C>T (NM_001308109.2); c.79-8560C>T (NM_001308106.1); c.85-1943C>T (NM_001308108.1).
Identifiers: ClinVar variation 350489 (VCV000350489.6), dbSNP rs376151621, ClinGen allele CA3384687.

ClinVar aggregate classification (germline): Likely benign. Review status: criteria provided, multiple submitters, no conflicts (2 of 4 stars). 2 submissions from 2 submitters: Likely benign (2). Last evaluated 2018-01-13.

Conditions:
Parkinson Disease, Dominant/Recessive.

Allele frequency attached by ClinVar (database versions not stated): ExAC 0.00010; gnomAD 0.00011 and 0.00013; gnomAD exomes 0.00011 and 0.00015; ESP Exome Variant Server 0.00015; TOPMed 0.00020.
gnomAD v4.1: 182 of 1,613,650 alleles (0.011%); highest among the groups gnomAD compares: Middle Eastern, 0.099%; no homozygotes.

Submissions (2):

Illumina Laboratory Services, Illumina
Classification: Likely benign for Parkinson Disease, Dominant/Recessive. Last evaluated: 2018-01-13. Review status: criteria provided, single submitter. Criteria: ICSL Variant Classification Criteria 13 December 2019. Collection method: clinical testing. Allele origin: germline.
Comment: This variant was observed in the ICSL laboratory as part of a predisposition screen in an ostensibly healthy population. It had not been previously curated by ICSL or reported in the Human Gene Mutation Database (HGMD: prior to June 1st, 2018), and was therefore a candidate for classification through an automated scoring system. Utilizing variant allele frequency, disease prevalence and penetrance estimates, and inheritance mode, an automated score was calculated to assess if this variant is too frequent to cause the disease. Based on the score and internal cut-off values, a variant classified as likely benign is not then subjected to further curation. The score for this variant resulted in a classification of likely benign for this disease.

Breakthrough Genomics
Classification: Likely benign. Review status: criteria provided, single submitter. Criteria: ACMG Guidelines, 2015. Collection method: not provided. Allele origin: germline. Inheritance: Unknown mechanism. Affected: yes.